The following is an entry in ClinVar:

NM_006941.4(SOX10):c.181G>A (p.Gly61Ser)

Genes: POLR2F (RNA polymerase II, I and III subunit F; plus strand), SOX10 (SRY-box transcription factor 10; minus strand). Cytogenetic location: 22q13.1.
Variant type: single nucleotide variant.
Coding change: c.181G>A on transcript NM_006941.4 (MANE Select); coding-DNA position 181, G replaced by A.
Protein change: p.Gly61Ser; replaces glycine 61 with serine.
Molecular consequence: missense variant. On other transcripts: intron variant (3).
Genome position (GRCh38, 1-based): chr22:37,983,604, C>T on the plus strand (G>A on the coding strand, the complement: SOX10 is on the minus strand). VCF-style: chr22-37983604-C-T. GRCh37 (hg19) VCF-style: chr22-38379611-C-T.
Other names: c.*38+11294C>T (NM_001363825.1); c.294-2550C>T (NM_001301130.2); c.293+16434C>T (NM_001301131.2); short protein forms G61S.
Identifiers: ClinVar variation 1027698 (VCV001027698.10), dbSNP rs866240813, ClinGen allele CA324166571.
Genomic context (GRCh38, chr22:37,983,604, plus strand): 5'-TGAGCACCTGGCTGACGGCCTCGCGGATGCACACGGGGAACTTGTCATCGTCCGCCTCGC[C>T]GTCCTGCTGCTCCTTCTTGACCTTGCCCAGCTCGCCTGGCCCCGGGCTGGCTCGCAGGCC-3'
Protein context (NP_008872.1, residues 51-71): LGKVKKEQQD[Gly61Ser]EADDDKFPVC

ClinVar aggregate classification (germline): Uncertain significance. Review status: criteria provided, multiple submitters, no conflicts (2 of 4 stars). 4 submissions from 4 submitters: Uncertain significance (4). Last evaluated 2025-12-09.

Conditions:
PCWH syndrome. Also called: WAARDENBURG-SHAH SYNDROME, NEUROLOGIC VARIANT. Identifiers: Orphanet 163746, MedGen C1836727, MONDO:0012198, OMIM 609136.

gnomAD v4.1: 8 of 1,607,714 alleles (0.0005%); highest among the groups gnomAD compares: Middle Eastern, 0.083%; no homozygotes.

Submissions (4):

GeneDx
Classification: Uncertain significance. Last evaluated: 2025-12-09. Review status: criteria provided, single submitter. Criteria: GeneDx Variant Classification Process June 2021. Collection method: clinical testing. Allele origin: germline. Affected: yes.
Comment: Identified in a patient with hearing loss in published literature (PMID: 26077850); Not observed at significant frequency in large population cohorts (gnomAD); In silico analysis indicates that this missense variant does not alter protein structure/function; This variant is associated with the following publications: (PMID: 26077850)

Labcorp Genetics (formerly Invitae), Labcorp
Classification: Uncertain significance. Last evaluated: 2023-10-14. Review status: criteria provided, single submitter. Criteria: Invitae Variant Classification Sherloc (09022015). Collection method: clinical testing. Allele origin: germline.
Comment: This sequence change replaces glycine, which is neutral and non-polar, with serine, which is neutral and polar, at codon 61 of the SOX10 protein (p.Gly61Ser). This variant is not present in population databases (gnomAD no frequency). This variant has not been reported in the literature in individuals affected with SOX10-related conditions. ClinVar contains an entry for this variant (Variation ID: 1027698). Advanced modeling of protein sequence and biophysical properties (such as structural, functional, and spatial information, amino acid conservation, physicochemical variation, residue mobility, and thermodynamic stability) performed at Invitae indicates that this missense variant is not expected to disrupt SOX10 protein function. In summary, the available evidence is currently insufficient to determine the role of this variant in disease. Therefore, it has been classified as a Variant of Uncertain Significance.

Revvity Omics, Revvity
Classification: Uncertain significance. Last evaluated: 2020-12-29. Review status: criteria provided, single submitter. Criteria: ACMG Guidelines, 2015. Collection method: clinical testing. Allele origin: germline.

Baylor Genetics
Classification: Uncertain significance for PCWH syndrome. Last evaluated: 2019-08-06. Review status: criteria provided, single submitter. Criteria: ACMG Guidelines, 2015. Collection method: clinical testing. Allele origin: unknown. Affected: yes.
Comment: This variant was determined to be of uncertain significance according to ACMG Guidelines, 2015 [PMID:25741868].